The following is an entry in ClinVar:

NM_001724.5(BPGM):c.679C>T (p.Arg227Cys)

Gene: BPGM (bisphosphoglycerate mutase; plus strand). Cytogenetic location: 7q33.
Variant type: single nucleotide variant.
Coding change: c.679C>T on transcript NM_001724.5 (MANE Select); coding-DNA position 679, C replaced by T.
Protein change: p.Arg227Cys; replaces arginine 227 with cysteine.
Molecular consequence: missense variant.
Genome position (GRCh38, 1-based): chr7:134,678,930, C>T. VCF-style: chr7-134678930-C-T. GRCh37 (hg19) VCF-style: chr7-134363682-C-T.
Other names: c.679C>T, p.Arg227Cys (NM_001293085.2, NM_199186.3); short protein forms R227C.
Identifiers: ClinVar variation 2704279 (VCV002704279.5), dbSNP rs563099936, ClinGen allele CA4494759.

ClinVar aggregate classification (germline): Conflicting classifications of pathogenicity. Review status: criteria provided, conflicting classifications (1 of 4 stars). 3 submissions from 3 submitters: Uncertain significance (2); Likely benign (1). Last evaluated 2025-09-23.

Conditions:
Deficiency of bisphosphoglycerate mutase. Also called: BPGM DEFICIENCY; DPGM DEFICIENCY; DIPHOSPHOGLYCERATE MUTASE DEFICIENCY OF ERYTHROCYTE; Hemolytic anemia due to diphosphoglycerate mutase deficiency. Identifiers: Orphanet 714, MedGen C1291620, MONDO:0009113, OMIM 222800.

Allele frequency attached by ClinVar (database versions not stated): gnomAD 0.00025; gnomAD exomes 0.00031; ExAC 0.00061; TOPMed 0.00008; 1000 Genomes Project 30x 0.00109; 1000 Genomes Project 0.00120.

Submissions (3):

Labcorp Genetics (formerly Invitae), Labcorp
Classification: Likely benign. Last evaluated: 2025-09-23. Review status: criteria provided, single submitter. Criteria: Invitae Variant Classification Sherloc (09022015). Collection method: clinical testing. Allele origin: germline.

ARUP Laboratories, Molecular Genetics and Genomics, ARUP Laboratories
Classification: Uncertain significance for Deficiency of bisphosphoglycerate mutase. Last evaluated: 2024-03-08. Review status: criteria provided, single submitter. Criteria: ARUP Molecular Germline Variant Investigation Process 2024. Collection method: clinical testing. Allele origin: germline.

Neuberg Centre For Genomic Medicine, NCGM
Classification: Uncertain significance for Deficiency of bisphosphoglycerate mutase. Last evaluated: 2023-05-20. Review status: criteria provided, single submitter. Criteria: ACMG Guidelines, 2015. Collection method: clinical testing. Allele origin: germline. Inheritance: Autosomal recessive inheritance. Affected: yes.
Comment: The observed missense c.679C>T (p.Arg227Cys) variant in BPGM gene has not been reported previously as a pathogenic variant nor a benign variant, to our knowledge. The p.Arg227Cys variant has been present with an allele frequency of 0.05% in gnomAD Exomes database. This variant has not been submitted to the ClinVar database. Multiple lines of computational evidence (SIFT - damaging; Polyphen - probably damaging; MutationTaster - disease causing) predict a damaging effect on protein structure and function for this variant. The amino acid change p.Arg227Cys in BPGM is predicted as conserved by GERP++ and PhyloP across 100 vertebrates. The amino acid Arg at position 227 is changed to a Cys changing protein sequence and it might alter its composition and physico-chemical properties. For these reasons, this variant has been classified as a Variant of Uncertain Significance (VUS). In the absence of another reportable variant in the BPGM gene, the molecular diagnosis is not confirmed.